The following is an entry in ClinVar:

NM_194248.3(OTOF):c.3101T>C (p.Ile1034Thr)

Gene: OTOF (otoferlin; minus strand). Cytogenetic location: 2p23.3.
Variant type: single nucleotide variant.
Coding change: c.3101T>C on transcript NM_194248.3 (MANE Select); coding-DNA position 3101, T replaced by C.
Protein change: p.Ile1034Thr; replaces isoleucine 1034 with threonine.
Molecular consequence: missense variant.
Genome position (GRCh38, 1-based): chr2:26,475,384, A>G on the plus strand (T>C on the coding strand, the complement: OTOF is on the minus strand). VCF-style: chr2-26475384-A-G. GRCh37 (hg19) VCF-style: chr2-26698252-A-G.
Other names: c.3101T>C, p.Ile1034Thr (NM_001287489.2); c.860T>C, p.Ile287Thr (NM_004802.4, NM_194323.3); c.1031T>C, p.Ile344Thr (NM_194322.3); short protein forms I1034T, I287T, I344T.
Identifiers: ClinVar variation 440014 (VCV000440014.12), dbSNP rs779785339, ClinGen allele CA1563661.

ClinVar aggregate classification (germline): Uncertain significance. Review status: criteria provided, multiple submitters, no conflicts (2 of 4 stars). 3 submissions from 3 submitters: Uncertain significance (3). Last evaluated 2022-05-25.

Allele frequency attached by ClinVar (database versions not stated): gnomAD exomes 0.00001 and 0.00002; gnomAD 0.00002; ExAC 0.00003; TOPMed 0.00006.
gnomAD v4.1: 9 of 1,613,030 alleles (0.00056%); highest among the groups gnomAD compares: Middle Eastern, 0.016%; no homozygotes.

Submissions (3):

Labcorp Genetics (formerly Invitae), Labcorp
Classification: Uncertain significance. Last evaluated: 2022-05-25. Review status: criteria provided, single submitter. Criteria: Invitae Variant Classification Sherloc (09022015). Collection method: clinical testing. Allele origin: germline.
Comment: This sequence change replaces isoleucine, which is neutral and non-polar, with threonine, which is neutral and polar, at codon 1034 of the OTOF protein (p.Ile1034Thr). This variant is present in population databases (rs779785339, gnomAD 0.01%). This variant has not been reported in the literature in individuals affected with OTOF-related conditions. ClinVar contains an entry for this variant (Variation ID: 440014). Algorithms developed to predict the effect of missense changes on protein structure and function (SIFT, PolyPhen-2, Align-GVGD) all suggest that this variant is likely to be disruptive. In summary, the available evidence is currently insufficient to determine the role of this variant in disease. Therefore, it has been classified as a Variant of Uncertain Significance.

GeneDx
Classification: Uncertain significance. Last evaluated: 2020-12-16. Review status: criteria provided, single submitter. Criteria: GeneDx Variant Classification Process June 2021. Collection method: clinical testing. Allele origin: germline. Affected: yes.
Comment: In silico analysis supports that this missense variant has a deleterious effect on protein structure/function; Has not been previously published as pathogenic or benign to our knowledge

ARUP Laboratories, Molecular Genetics and Genomics, ARUP Laboratories
Classification: Uncertain significance. Last evaluated: 2016-10-12. Review status: criteria provided, single submitter. Criteria: ARUP Molecular Germline Variant Investigation Process. Collection method: clinical testing. Allele origin: germline.